The following is an entry in ClinVar:

ClinVar aggregate classification (germline): Benign/Likely benign. Review status: criteria provided, multiple submitters, no conflicts (2 of 4 stars). 3 submissions from 3 submitters: Benign (1); Likely benign (2). Last evaluated 2025-01-03.

Conditions:
Lynch syndrome 5 (LYNCH5). Also called: Hereditary non-polyposis colorectal cancer, type 5; Colorectal cancer, hereditary nonpolyposis, type 5. Identifiers: Orphanet 144, MedGen C1833477, MONDO:0013710, OMIM 614350. Disease mechanism: loss of function.
Hereditary nonpolyposis colorectal neoplasms. Identifiers: MedGen C0009405, MeSH D003123.
Hereditary cancer-predisposing syndrome. Also called: Neoplastic Syndromes, Hereditary; Hereditary Cancer Syndrome; Hereditary neoplastic syndrome; Tumor predisposition. Identifiers: Orphanet 140162, MedGen C0027672, MeSH D009386, MONDO:0015356.

gnomAD v4.1: 3 of 1,614,190 alleles (0.00019%); highest among the groups gnomAD compares: Non-Finnish European, 0.00025%; no homozygotes.

Submissions (3):

Myriad Genetics, Inc.
Classification: Benign for Lynch syndrome 5. Last evaluated: 2025-01-03. Review status: criteria provided, single submitter. Criteria: Myriad Autosomal Dominant, Autosomal Recessive and X-Linked Classification Criteria (2023). Collection method: clinical testing. Allele origin: unknown.
Comment: This variant is considered benign. This variant is a silent/synonymous amino acid change and it is not expected to impact splicing.

Ambry Genetics
Classification: Likely benign for Hereditary cancer-predisposing syndrome. Last evaluated: 2024-10-11. Review status: criteria provided, single submitter. Criteria: Ambry Variant Classification Scheme 2023. Collection method: clinical testing. Allele origin: germline.

Labcorp Genetics (formerly Invitae), Labcorp
Classification: Likely benign for Hereditary nonpolyposis colorectal neoplasms. Last evaluated: 2024-01-25. Review status: criteria provided, single submitter. Criteria: Invitae Variant Classification Sherloc (09022015). Collection method: clinical testing. Allele origin: germline.

NM_000179.3(MSH6):c.3216T>G (p.Gly1072=)

Gene: MSH6 (mutS homolog 6; plus strand). Cytogenetic location: 2p16.3.
Variant type: single nucleotide variant.
Coding change: c.3216T>G on transcript NM_000179.3 (MANE Select); coding-DNA position 3216, T replaced by G.
Protein change: p.Gly1072=; no amino-acid change (glycine 1072 retained).
Molecular consequence: synonymous variant. On other transcripts: 5 prime UTR variant (1), non-coding transcript variant (5), intron variant (1).
Genome position (GRCh38, 1-based): chr2:47,803,463, T>G. VCF-style: chr2-47803463-T-G. GRCh37 (hg19) VCF-style: chr2-48030602-T-G.
Other names: c.2826T>G, p.Gly942= (NM_001281492.2); c.2310T>G, p.Gly770= (NM_001281493.2, NM_001281494.2, NM_001406811.1 and 6 more transcripts); c.3312T>G, p.Gly1104= (NM_001406795.1, NM_001406802.1); c.3216T>G, p.Gly1072= (NM_001406796.1, NM_001406800.1, NM_001406808.1 and 1 more transcripts); c.2919T>G, p.Gly973= (NM_001406797.1, NM_001406801.1, NM_001406805.1 and 10 more transcripts); c.2691T>G, p.Gly897= (NM_001406799.1, NM_001406806.1, NM_001406807.1); c.2352T>G, p.Gly784= (NM_001406803.1); c.3138T>G, p.Gly1046= (NM_001406804.1); and 7 more.
Identifiers: ClinVar variation 2110683 (VCV002110683.6), dbSNP rs2104473670, ClinGen allele CA426121779.